The following is an entry in ClinVar:

ClinVar aggregate classification (germline): Uncertain significance (1 of 4 stars; one submission).

Submission:

GeneDx
Classification: Uncertain significance. Last evaluated: 2025-04-16. Review status: criteria provided, single submitter. Criteria: GeneDx Variant Classification Process June 2021. Collection method: clinical testing. Allele origin: germline. Affected: yes.
Comment: Not observed at significant frequency in large population cohorts (gnomAD); In silico analysis indicates that this missense variant does not alter protein structure/function; Has not been previously published as pathogenic or benign to our knowledge

NM_001378418.1(TCF20):c.1459A>G (p.Lys487Glu)

Gene: TCF20 (transcription factor 20; minus strand). Cytogenetic location: 22q13.2.
Variant type: single nucleotide variant.
Coding change: c.1459A>G on transcript NM_001378418.1 (MANE Select); coding-DNA position 1459, A replaced by G.
Protein change: p.Lys487Glu; replaces lysine 487 with glutamic acid.
Molecular consequence: missense variant.
Genome position (GRCh38, 1-based): chr22:42,213,847, T>C on the plus strand (A>G on the coding strand, the complement: TCF20 is on the minus strand). VCF-style: chr22-42213847-T-C. GRCh37 (hg19) VCF-style: chr22-42609853-T-C.
Other names: c.1459A>G, p.Lys487Glu (NM_005650.4, NM_181492.3); short protein forms K487E.
Identifiers: ClinVar variation 4281975 (VCV004281975.1).